The following is an entry in ClinVar:

NM_001378615.1(CC2D2A):c.3435G>C (p.Gln1145His)

Genes: CC2D2A (coiled-coil and C2 domain containing 2A; plus strand), FBXL5 (F-box and leucine rich repeat protein 5; minus strand). Cytogenetic location: 4p15.32.
Variant type: single nucleotide variant.
Coding change: c.3435G>C on transcript NM_001378615.1 (MANE Select); coding-DNA position 3435, G replaced by C.
Protein change: p.Gln1145His; replaces glutamine 1145 with histidine.
Molecular consequence: missense variant.
Genome position (GRCh38, 1-based): chr4:15,569,329, G>C. VCF-style: chr4-15569329-G-C. GRCh37 (hg19) VCF-style: chr4-15570952-G-C.
Other names: c.3435G>C, p.Gln1145His (NM_001080522.2); c.3288G>C, p.Gln1096His (NM_001378617.1); short protein forms Q1096H, Q1145H.
Identifiers: ClinVar variation 1373255 (VCV001373255.5), dbSNP rs1479626818, ClinGen allele CA356419992.

ClinVar aggregate classification (germline): Uncertain significance (1 of 4 stars; one submission).

Conditions:
Joubert syndrome. Also called: JOUBERT-BOLTSHAUSER SYNDROME; Familial aplasia of the vermis. Identifiers: Orphanet 475, MedGen C5979921, MONDO:0018772.
Meckel-Gruber syndrome. Also called: DYSENCEPHALIA SPLANCHNOCYSTICA; GRUBER SYNDROME; Dysencephalia splachnocystica. Identifiers: Orphanet 564, MedGen C0265215, MONDO:0018921.

Submission:

Labcorp Genetics (formerly Invitae), Labcorp
Classification: Uncertain significance for Joubert syndrome; Meckel-Gruber syndrome. Last evaluated: 2021-09-01. Review status: criteria provided, single submitter. Criteria: Invitae Variant Classification Sherloc (09022015). Collection method: clinical testing. Allele origin: germline.
Comment: This sequence change replaces glutamine with histidine at codon 1145 of the CC2D2A protein (p.Gln1145His). The glutamine residue is highly conserved and there is a small physicochemical difference between glutamine and histidine. This variant is not present in population databases (ExAC no frequency). This variant has not been reported in the literature in individuals affected with CC2D2A-related conditions. Advanced modeling of protein sequence and biophysical properties (such as structural, functional, and spatial information, amino acid conservation, physicochemical variation, residue mobility, and thermodynamic stability) performed at Invitae indicates that this missense variant is expected to disrupt CC2D2A protein function. In summary, the available evidence is currently insufficient to determine the role of this variant in disease. Therefore, it has been classified as a Variant of Uncertain Significance.